The following is an entry in ClinVar:

ClinVar aggregate classification (germline): Likely benign. Review status: criteria provided, multiple submitters, no conflicts (2 of 4 stars). 2 submissions from 2 submitters: Likely benign (2). Last evaluated 2025-05-01.

gnomAD v4.1: 460 of 1,610,226 alleles (0.029%); highest among the groups gnomAD compares: East Asian, 0.44%; 4 homozygotes.

Submissions (6):

CeGaT Center for Human Genetics Tuebingen
Classification: Likely benign. Last evaluated: 2025-05-01. Review status: criteria provided, single submitter. Criteria: CeGaT Center For Human Genetics Tuebingen Variant Classification Criteria Version 2. Collection method: clinical testing. Allele origin: germline. Affected: yes. Observed: 1 variant allele.
Comment: ARFGEF1: BP4, BP7

Blueprint Genetics
Classification: Likely benign. Last evaluated: 2024-06-26. Review status: criteria provided, single submitter. Criteria: ACMG Guidelines, 2015. Collection method: clinical testing. Allele origin: germline.

Dr. Peter K. Rogan Lab, Western University
No classification provided (evidence only). Condition: Thyroid cancer, nonmedullary, 1. Review status: no classification provided. Collection method: in vitro. Allele origin: not applicable. Functional consequence: retained intron. Not counted in ClinVar's aggregate classification.

Dr. Peter K. Rogan Lab, Western University
No classification provided (evidence only). Condition: Thyroid cancer, nonmedullary, 1. Review status: no classification provided. Collection method: in vitro. Allele origin: not applicable. Functional consequence: retained intron. Not counted in ClinVar's aggregate classification.

Dr. Peter K. Rogan Lab, Western University
No classification provided (evidence only). Condition: Gastric cancer. Review status: no classification provided. Collection method: in vitro. Allele origin: not applicable. Functional consequence: retained intron. Not counted in ClinVar's aggregate classification.

Dr. Peter K. Rogan Lab, Western University
No classification provided (evidence only). Condition: Malignant tumor of esophagus. Review status: no classification provided. Collection method: in vitro. Allele origin: not applicable. Functional consequence: skipped exon. Not counted in ClinVar's aggregate classification.

NM_006421.5(ARFGEF1):c.2463G>A (p.Ala821=)

Gene: ARFGEF1 (ARF guanine nucleotide exchange factor 1; minus strand). Cytogenetic location: 8q13.2.
Variant type: single nucleotide variant.
Coding change: c.2463G>A on transcript NM_006421.5 (MANE Select); coding-DNA position 2463, G replaced by A.
Protein change: p.Ala821=; no amino-acid change (alanine 821 retained).
Molecular consequence: synonymous variant. On other transcripts: non-coding transcript variant (1).
Genome position (GRCh38, 1-based): chr8:67,257,795, C>T on the plus strand (G>A on the coding strand, the complement: ARFGEF1 is on the minus strand). VCF-style: chr8-67257795-C-T. GRCh37 (hg19) VCF-style: chr8-68170030-C-T.
Other names: NC_000008.10:g.68170030C>T; c.2463G>A, p.Ala821= (NM_001413184.1, NM_001413185.1, NM_001413186.1 and 7 more transcripts); c.1863G>A, p.Ala621= (NM_001413188.1, NM_001413193.1, NM_001413197.1); c.1038G>A, p.Ala346= (NM_001413196.1).
Identifiers: ClinVar variation 3905084 (VCV003905084.12).